The following is an entry in ClinVar:

ClinVar aggregate classification (germline): Pathogenic. Review status: criteria provided, multiple submitters, no conflicts (2 of 4 stars). 6 submissions from 6 submitters: Pathogenic (6). Last evaluated 2025-09-24.

Conditions:
CDC73-related disorder. Also called: CDC73-related condition; CDC73-related disorders. Identifiers: MedGen CN169292.
Hereditary cancer-predisposing syndrome. Also called: Hereditary Cancer Syndrome; Tumor predisposition; Hereditary neoplastic syndrome; Neoplastic Syndromes, Hereditary. Identifiers: Orphanet 140162, MedGen C0027672, MeSH D009386, MONDO:0015356.
Parathyroid carcinoma (PRTC). Also called: Parathyroid gland carcinoma; CDC73-Related Parathyroid Carcinoma. Identifiers: Orphanet 143, MedGen C0687150, MONDO:0012004, OMIM 608266, HP:0006780.
Hyperparathyroidism 1 (HRPT1). Also called: HYPERPARATHYROIDISM, FAMILIAL ISOLATED PRIMARY. Identifiers: Orphanet 99879, MedGen C1840402, MONDO:0007767, OMIM 145000.
Hyperparathyroidism 2 with jaw tumors. Also called: Hyperparathyroidism-Jaw Tumor Syndrome; HYPERPARATHYROIDISM, FAMILIAL PRIMARY, WITH MULTIPLE OSSIFYING JAW FIBROMAS; HYPERPARATHYROIDISM-JAW TUMOR SYNDROME, HEREDITARY; Hyperparathyroidism 2. Identifiers: Orphanet 99880, MedGen C1704981, MONDO:0007768, OMIM 145001.

Submissions (6):

Labcorp Genetics (formerly Invitae), Labcorp
Classification: Pathogenic for Parathyroid carcinoma. Last evaluated: 2025-09-24. Review status: criteria provided, single submitter. Criteria: Invitae Variant Classification Sherloc (09022015). Collection method: clinical testing. Allele origin: germline.
Comment: This sequence change creates a premature translational stop signal (p.Val230Glufs*28) in the CDC73 gene. It is expected to result in an absent or disrupted protein product. Loss-of-function variants in CDC73 are known to be pathogenic (PMID: 12434154). This variant is present in population databases (rs763788378, gnomAD 0.002%). This premature translational stop signal has been observed in individual(s) with hyperparathyroidism-jaw tumor syndrome (HPT-JT) and/or isolated hyperparathyroidism (PMID: 12434154, 14715834, 25444225). It has also been observed to segregate with disease in related individuals. ClinVar contains an entry for this variant (Variation ID: 241496). For these reasons, this variant has been classified as Pathogenic.

Ambry Genetics
Classification: Pathogenic for Hereditary cancer-predisposing syndrome. Last evaluated: 2024-10-25. Review status: criteria provided, single submitter. Criteria: Ambry Variant Classification Scheme 2023. Collection method: clinical testing. Allele origin: germline.
Comment: The c.687_688dupAG pathogenic mutation, located in coding exon 7 of the CDC73 gene, results from a duplication of AG at nucleotide position 687, causing a translational frameshift with a predicted alternate stop codon (p.V230Efs*28). This mutation has been reported in multiple families with both hyperparathyroidism&ndash;jaw tumor syndrome and also familial isolated primary hyperparathyroidism, and has been shown to segregate with disease in at least two families with multiple affected individuals (Carpten JD et al. Nat. Genet., 2002 Dec;32:676-80; Sirbiladze R et al. AACE Clin Case Rep Apr;5(3):e222-e225; Simonds W et al. J. Clin. Endocrinol. Metab. 2004 Jan;89(1):96-102). In addition to the clinical data presented in the literature, this alteration is expected to result in loss of function by premature protein truncation or nonsense-mediated mRNA decay. As such, this alteration is interpreted as a disease-causing mutation.

PreventionGenetics, part of Exact Sciences
Classification: Pathogenic for CDC73-related condition. Last evaluated: 2023-02-08. Review status: criteria provided, single submitter. Criteria: ACMG Guidelines, 2015. Collection method: clinical testing. Allele origin: germline.
Comment: The CDC73 c.687_688dupAG variant is predicted to result in a frameshift and premature protein termination (p.Val230Glufs*28). This variant was reported in individuals with hyperparathyroidism-jaw tumour syndrome (see, for example, Carpten et al. 2002. PubMed ID: 12434154, reported as 679insAG; Sirbiladze et al. 2019. PubMed ID: 31967039). This variant is reported in 0.0016% of alleles in individuals of European (Non-Finnish) descent in gnomAD. Frameshift variants in CDC73 are expected to be pathogenic. This variant is interpreted as pathogenic.

Fulgent Genetics
Classification: Pathogenic for Hyperparathyroidism 1; Hyperparathyroidism 2 with jaw tumors; Parathyroid carcinoma. Last evaluated: 2021-09-12. Review status: criteria provided, single submitter. Criteria: ACMG Guidelines, 2015. Collection method: clinical testing. Allele origin: unknown.

GeneDx
Classification: Pathogenic. Last evaluated: 2021-05-27. Review status: criteria provided, single submitter. Criteria: GeneDx Variant Classification Process June 2021. Collection method: clinical testing. Allele origin: germline. Affected: yes.
Comment: Frameshift variant predicted to result in protein truncation or nonsense mediated decay in a gene for which loss-of-function is a known mechanism of disease; Not observed at significant frequency in large population cohorts (Lek 2016); Also known as 679insAG; This variant is associated with the following publications: (PMID: 19332451, 15606373, 14585940, 14715834, 25444225, 32590342, 31967039, 12434154)

Genetic Services Laboratory, University of Chicago
Classification: Pathogenic. Last evaluated: 2018-06-18. Review status: criteria provided, single submitter. Criteria: ACMG Guidelines, 2015. Collection method: clinical testing. Allele origin: germline. Affected: yes.
Comment: DNA sequence analysis of the CDC73 gene demonstrated a two base pair duplication, c.687_688dup. This pathogenic sequence change results in an amino acid frameshift and creates a premature stop codon 27 amino acids downstream of the mutation, p.Val230Glufs*28. This pathogenic sequence change is predicted to result in an abnormal transcript, which may be degraded, or may lead to the production of a truncated CDC73 protein with potentially abnormal function. This sequence change in CDC73 was previously found to segregate in families with hyperparathyroidism-jaw tumor syndrome [OMIM#145001] (Carpten et al. 2002; Simonds et al. 2004), a rare autosomal dominant disorder characterized by synchronous or metachronous occurrence of primary hyperparathyroidism, ossifying fibroma of the maxilla and/or mandible, renal tumor and uterine tumors.

Literature cited by the submitters: PubMed 12434154 (cited by Labcorp Genetics (formerly Invitae), Labcorp and Ambry Genetics); PubMed 14715834 (cited by Labcorp Genetics (formerly Invitae), Labcorp); PubMed 25444225 (cited by Labcorp Genetics (formerly Invitae), Labcorp).

NM_024529.5(CDC73):c.687_688dup (p.Val230fs)

Gene: CDC73 (cell division cycle 73; plus strand). Cytogenetic location: 1q31.2.
Variant type: Microsatellite.
Coding change: c.687_688dup on transcript NM_024529.5 (MANE Select); coding-DNA positions 687 to 688, 2 bases duplicated (AG; older notation c.687_688dupAG).
Protein change: p.Val230fs; shifts the reading frame from valine 230.
Molecular consequence: frameshift variant.
Genome position (GRCh38, 1-based): chr1:193,142,024-193,142,025, AG duplicated; duplicating any 2 consecutive bases within chr1:193,142,016-193,142,025 gives the same sequence; the c. name uses the placement nearest the transcript's 3' end. VCF-style (leftmost placement, unchanged base first): chr1-193142015-C-CAG. GRCh37 (hg19) VCF-style: chr1-193111145-C-CAG.
Other names: c.687_688dupAG (NM_024529.4); short protein forms V230fs.
Identifiers: ClinVar variation 241496 (VCV000241496.21), dbSNP rs760591174, ClinGen allele CA1303431.